The following is an entry in ClinVar:

ClinVar aggregate classification (germline): Uncertain significance (1 of 4 stars; one submission).

Conditions:
LAMA2-related muscular dystrophy (LAMA2-RD). Also called: Laminin alpha 2-related dystrophy. Identifiers: MedGen C5679788, MONDO:0100228.

Submission:

Labcorp Genetics (formerly Invitae), Labcorp
Classification: Uncertain significance for LAMA2-related muscular dystrophy. Last evaluated: 2022-09-27. Review status: criteria provided, single submitter. Criteria: Invitae Variant Classification Sherloc (09022015). Collection method: clinical testing. Allele origin: germline.
Comment: This sequence change replaces proline, which is neutral and non-polar, with leucine, which is neutral and non-polar, at codon 2678 of the LAMA2 protein (p.Pro2678Leu). This variant is not present in population databases (gnomAD no frequency). This variant has not been reported in the literature in individuals affected with LAMA2-related conditions. Advanced modeling of protein sequence and biophysical properties (such as structural, functional, and spatial information, amino acid conservation, physicochemical variation, residue mobility, and thermodynamic stability) performed at Invitae indicates that this missense variant is not expected to disrupt LAMA2 protein function. In summary, the available evidence is currently insufficient to determine the role of this variant in disease. Therefore, it has been classified as a Variant of Uncertain Significance.

NM_000426.4(LAMA2):c.8033C>T (p.Pro2678Leu)

Gene: LAMA2 (laminin subunit alpha 2; plus strand). Cytogenetic location: 6q22.33.
Variant type: single nucleotide variant.
Coding change: c.8033C>T on transcript NM_000426.4 (MANE Select); coding-DNA position 8033, C replaced by T.
Protein change: p.Pro2678Leu; replaces proline 2678 with leucine.
Molecular consequence: missense variant.
Genome position (GRCh38, 1-based): chr6:129,492,035, C>T. VCF-style: chr6-129492035-C-T. GRCh37 (hg19) VCF-style: chr6-129813180-C-T.
Other names: c.8021C>T, p.Pro2674Leu (NM_001079823.2); short protein forms P2674L, P2678L.
Identifiers: ClinVar variation 1900714 (VCV001900714.2), dbSNP rs2533504419, ClinGen allele CA365630952.